The following is an entry in ClinVar:

ClinVar aggregate classification (germline): Benign/Likely benign. Review status: criteria provided, multiple submitters, no conflicts (2 of 4 stars). 8 submissions from 8 submitters: Benign (2); Likely benign (6). Last evaluated 2026-08-01.

Conditions:
Ellis-van Creveld syndrome (EVC). Also called: Chondroectodermal dysplasia; MESOECTODERMAL DYSPLASIA. Identifiers: Orphanet 289, MedGen C0013903, MONDO:0009162, OMIM 225500.
Curry-Hall syndrome (WAD). Also called: WEYERS ACRODENTAL DYSOSTOSIS. Identifiers: Orphanet 952, MedGen C0457013, MONDO:0008673, OMIM 193530.

Allele frequency attached by ClinVar (database versions not stated): ESP Exome Variant Server 0.00231; TOPMed 0.00259; 1000 Genomes Project 0.00459; 1000 Genomes Project 30x 0.00468.
gnomAD v4.1: 1,022 of 1,614,130 alleles (0.063%); highest among the groups gnomAD compares: African/African-American, 0.77%; 5 homozygotes.

Submissions (8):

CeGaT Center for Human Genetics Tuebingen
Classification: Likely benign. Last evaluated: 2026-08-01. Review status: criteria provided, single submitter. Criteria: CeGaT Center For Human Genetics Tuebingen Variant Classification Criteria Version 2. Collection method: clinical testing. Allele origin: germline. Affected: yes. Observed: 3 variant alleles.
Comment: EVC2: BP4

Labcorp Genetics (formerly Invitae), Labcorp
Classification: Benign for Curry-Hall syndrome; Ellis-van Creveld syndrome. Last evaluated: 2026-02-01. Review status: criteria provided, single submitter. Criteria: Invitae Variant Classification Sherloc (09022015). Collection method: clinical testing. Allele origin: germline.

Blueprint Genetics
Classification: Likely benign. Last evaluated: 2024-10-30. Review status: criteria provided, single submitter. Criteria: ACMG Guidelines, 2015. Collection method: clinical testing. Allele origin: germline.

ARUP Laboratories, Molecular Genetics and Genomics, ARUP Laboratories
Classification: Likely benign. Last evaluated: 2020-04-30. Review status: criteria provided, single submitter. Criteria: ARUP Molecular Germline Variant Investigation Process. Collection method: clinical testing. Allele origin: germline.

Illumina Laboratory Services, Illumina
Classification: Likely benign for Ellis-van Creveld syndrome. Last evaluated: 2018-01-13. Review status: criteria provided, single submitter. Criteria: ICSL Variant Classification Criteria 13 December 2019. Collection method: clinical testing. Allele origin: germline.
Comment: This variant was observed in the ICSL laboratory as part of a predisposition screen in an ostensibly healthy population. It had not been previously curated by ICSL or reported in the Human Gene Mutation Database (HGMD: prior to June 1st, 2018), and was therefore a candidate for classification through an automated scoring system. Utilizing variant allele frequency, disease prevalence and penetrance estimates, and inheritance mode, an automated score was calculated to assess if this variant is too frequent to cause the disease. Based on the score and internal cut-off values, a variant classified as likely benign is not then subjected to further curation. The score for this variant resulted in a classification of likely benign for this disease.

GeneDx
Classification: Likely benign. Last evaluated: 2017-04-06. Review status: criteria provided, single submitter. Criteria: GeneDx Variant Classification (06012015). Collection method: clinical testing. Allele origin: germline. Affected: yes.
Comment: This variant is considered likely benign or benign based on one or more of the following criteria: it is a conservative change, it occurs at a poorly conserved position in the protein, it is predicted to be benign by multiple in silico algorithms, and/or has population frequency not consistent with disease.

Eurofins Ntd Llc (ga)
Classification: Benign. Last evaluated: 2016-10-11. Review status: criteria provided, single submitter. Criteria: EGL Classification Definitions 2015. Collection method: clinical testing. Allele origin: germline. Observed: 1 variant allele, 1 heterozygote.

Genetic Services Laboratory, University of Chicago
Classification: Likely benign. Last evaluated: 2016-03-04. Review status: criteria provided, single submitter. Criteria: ACMG Guidelines, 2015. Collection method: clinical testing. Allele origin: germline. Affected: no.

NM_147127.5(EVC2):c.3272+8G>A

Gene: EVC2 (EvC ciliary complex subunit 2; minus strand). Cytogenetic location: 4p16.2.
Variant type: single nucleotide variant.
Coding change: c.3272+8G>A on transcript NM_147127.5 (MANE Select); 8 bases into the intron after coding-DNA position 3272, G replaced by A.
Molecular consequence: intron variant.
Genome position (GRCh38, 1-based): chr4:5,576,232, C>T on the plus strand (G>A on the coding strand, the complement: EVC2 is on the minus strand). VCF-style: chr4-5576232-C-T. GRCh37 (hg19) VCF-style: chr4-5577959-C-T.
Other names: c.3032+8G>A (NM_001166136.2).
Identifiers: ClinVar variation 348984 (VCV000348984.37), dbSNP rs201800139, ClinGen allele CA2834394.
Genomic context (GRCh38, chr4:5,576,232, plus strand): 5'-GGAGATGCCAGGTTCTCCAGGACTGCTGGGGACTAATATCTTTGAGTGCTACGGGGCACA[C>T]GGCATACCACTGCTGATGTTGCTCCAGTAATGTCTGGCTCTTGCTCAGGGCTTGGTGCAG-3'